The following is an entry in ClinVar:

NM_004999.4(MYO6):c.3659-10A>G

Gene: MYO6 (myosin VI; plus strand). Cytogenetic location: 6q14.1.
Variant type: single nucleotide variant.
Coding change: c.3659-10A>G on transcript NM_004999.4 (MANE Select); 10 bases into the intron before coding-DNA position 3659, A replaced by G.
Molecular consequence: intron variant.
Genome position (GRCh38, 1-based): chr6:75,914,803, A>G. VCF-style: chr6-75914803-A-G. GRCh37 (hg19) VCF-style: chr6-76624520-A-G.
Other names: c.3686-10A>G (NM_001368865.1); c.3659-10A>G (NM_001368866.1); c.3620-10A>G (NM_001368137.1); c.3590-10A>G (NM_001300899.2); c.3563-10A>G (NM_001368136.1); c.3575-10A>G (NM_001368138.1).
Identifiers: ClinVar variation 910676 (VCV000910676.7), dbSNP rs765929647, ClinGen allele CA3897793.

ClinVar aggregate classification (germline): Conflicting classifications of pathogenicity. Review status: criteria provided, conflicting classifications (1 of 4 stars). 4 submissions from 3 submitters: Uncertain significance (3); Likely benign (1). Last evaluated 2025-12-16.

Conditions:
Autosomal recessive nonsyndromic hearing loss 37. Identifiers: Orphanet 90636, MedGen C1843028, MONDO:0011912, OMIM 607821.
Autosomal dominant nonsyndromic hearing loss 22. Also called: DFNA 22; Autosomal dominant nonsyndromic deafness 22. Identifiers: Orphanet 228012, MedGen C2931767, MONDO:0011660, OMIM 606346.

Allele frequency attached by ClinVar (database versions not stated): ExAC 0.00001; gnomAD 0.00002; TOPMed 0.00003.
gnomAD v4.1: 11 of 1,613,734 alleles (0.00068%); highest among the groups gnomAD compares: Admixed American, 0.0033%; no homozygotes.

Submissions (4):

Labcorp Genetics (formerly Invitae), Labcorp
Classification: Likely benign. Last evaluated: 2025-12-16. Review status: criteria provided, single submitter. Criteria: Invitae Variant Classification Sherloc (09022015). Collection method: clinical testing. Allele origin: germline.

Laboratorio de Genetica e Diagnostico Molecular, Hospital Israelita Albert Einstein
Classification: Uncertain significance for Autosomal dominant nonsyndromic hearing loss 22. Last evaluated: 2022-12-09. Review status: criteria provided, single submitter. Criteria: ACMG Guidelines, 2015. Collection method: clinical testing. Allele origin: germline. Affected: yes. Observed: 1 variant allele.
Comment: ACMG classification criteria: PM2 supporting

Illumina Laboratory Services, Illumina
Classification: Uncertain significance for Autosomal dominant nonsyndromic hearing loss 22. Last evaluated: 2018-01-15. Review status: criteria provided, single submitter. Criteria: ICSL Variant Classification Criteria 13 December 2019. Collection method: clinical testing. Allele origin: germline.

Illumina Laboratory Services, Illumina
Classification: Uncertain significance for Autosomal recessive nonsyndromic hearing loss 37. Last evaluated: 2018-01-15. Review status: criteria provided, single submitter. Criteria: ICSL Variant Classification Criteria 13 December 2019. Collection method: clinical testing. Allele origin: germline.